The following is an entry in ClinVar:

NM_000388.4(CASR):c.2599A>C (p.Asn867His)

Gene: CASR (calcium sensing receptor; plus strand). Cytogenetic location: 3q21.1.
Variant type: single nucleotide variant.
Coding change: c.2599A>C on transcript NM_000388.4 (MANE Select); coding-DNA position 2599, A replaced by C.
Protein change: p.Asn867His; replaces asparagine 867 with histidine.
Molecular consequence: missense variant.
Genome position (GRCh38, 1-based): chr3:122,284,553, A>C. VCF-style: chr3-122284553-A-C. GRCh37 (hg19) VCF-style: chr3-122003400-A-C.
Other names: c.2629A>C, p.Asn877His (NM_001178065.2); short protein forms N867H, N877H.
Identifiers: ClinVar variation 5042646 (VCV005042646.1).

ClinVar aggregate classification (germline): Likely pathogenic (1 of 4 stars; one submission).

Conditions:
Familial hyperparathyroidism or Hypocalciuric hypercalcaemia.

Submission:

Cambridge Genomics Laboratory, East Genomic Laboratory Hub, NHS Genomic Medicine Service
Classification: Likely pathogenic for Familial hyperparathyroidism or Hypocalciuric hypercalcaemia. Last evaluated: 2026-10-15. Review status: criteria provided, single submitter. Criteria: ACGS Best Practice Guidelines for Variant Classification in Rare Disease 2020. Collection method: clinical testing. Allele origin: germline. Affected: yes.
Comment: PS4_Supporting,PM2,PP2,PP3,PP4